The following is an entry in ClinVar:

NM_001145026.2(PTPRQ):c.1504G>T (p.Ala502Ser)

Gene: PTPRQ (protein tyrosine phosphatase receptor type Q; plus strand). Cytogenetic location: 12q21.31.
Variant type: single nucleotide variant.
Coding change: c.1504G>T on transcript NM_001145026.2 (MANE Select); coding-DNA position 1504, G replaced by T.
Protein change: p.Ala502Ser; replaces alanine 502 with serine.
Molecular consequence: missense variant.
Genome position (GRCh38, 1-based): chr12:80,493,419, G>T. VCF-style: chr12-80493419-G-T. GRCh37 (hg19) VCF-style: chr12-80887198-G-T.
Other names: short protein forms A502S.
Identifiers: ClinVar variation 5001755 (VCV005001755.1).

ClinVar aggregate classification (germline): Uncertain significance (1 of 4 stars; one submission).

Conditions:
PTPRQ-related disorder. Also called: PTPRQ-related condition.

gnomAD v4.1: 2 of 1,549,758 alleles (0.00013%); highest among the groups gnomAD compares: Admixed American, 0.0039%; no homozygotes.

Submission:

PreventionGenetics, part of Exact Sciences
Classification: Uncertain significance for PTPRQ-related condition. Last evaluated: 2026-08-02. Review status: criteria provided, single submitter. Criteria: ACMG Guidelines, 2015. Collection method: clinical testing. Allele origin: germline.
Comment: The PTPRQ c.1504G>T variant is predicted to result in the amino acid substitution p.Ala502Ser. To our knowledge, this variant has not been reported in the literature. This variant is reported in 0.0041% of alleles in individuals of Latino descent in gnomAD. At this time, the clinical significance of this variant is uncertain due to the absence of conclusive functional and genetic evidence.